The following is an entry in ClinVar:

ClinVar aggregate classification (germline): Benign/Likely benign. Review status: criteria provided, multiple submitters, no conflicts (2 of 4 stars). 10 submissions from 10 submitters: Benign (6); Likely benign (4). Last evaluated 2026-03-01.

Conditions:
Inborn genetic diseases. Identifiers: MedGen C0950123, MeSH D030342.
Pitt-Hopkins syndrome (PTHS). Also called: ENCEPHALOPATHY, SEVERE EPILEPTIC, WITH AUTONOMIC DYSFUNCTION; MENTAL RETARDATION, SYNDROMAL, WITH INTERMITTENT HYPERVENTILATION. Identifiers: Orphanet 2896, MedGen C1970431, MONDO:0012589, OMIM 610954.

Allele frequency attached by ClinVar (database versions not stated): 1000 Genomes Project 30x 0.00265; gnomAD 0.00274; 1000 Genomes Project 0.00280; TOPMed 0.00307; ESP Exome Variant Server 0.00308.
gnomAD v4.1: 792 of 1,614,134 alleles (0.049%); highest among the groups gnomAD compares: African/African-American, 0.93%; 11 homozygotes.

Submissions (10):

CeGaT Center for Human Genetics Tuebingen
Classification: Likely benign. Last evaluated: 2026-03-01. Review status: criteria provided, single submitter. Criteria: CeGaT Center For Human Genetics Tuebingen Variant Classification Criteria Version 2. Collection method: clinical testing. Allele origin: germline. Affected: yes. Observed: 4 variant alleles.
Comment: TCF4: BP4, BP7

Labcorp Genetics (formerly Invitae), Labcorp
Classification: Benign for Pitt-Hopkins syndrome. Last evaluated: 2026-01-18. Review status: criteria provided, single submitter. Criteria: Invitae Variant Classification Sherloc (09022015). Collection method: clinical testing. Allele origin: germline.

Blueprint Genetics
Classification: Likely benign. Last evaluated: 2024-05-29. Review status: criteria provided, single submitter. Criteria: ACMG Guidelines, 2015. Collection method: clinical testing. Allele origin: germline.

Illumina Laboratory Services, Illumina
Classification: Benign for Pitt-Hopkins syndrome. Last evaluated: 2018-01-13. Review status: criteria provided, single submitter. Criteria: ICSL Variant Classification Criteria 13 December 2019. Collection method: clinical testing. Allele origin: germline.
Comment: This variant was observed in the ICSL laboratory as part of a predisposition screen in an ostensibly healthy population. It had not been previously curated by ICSL or reported in the Human Gene Mutation Database (HGMD: prior to June 1st, 2018), and was therefore a candidate for classification through an automated scoring system. Utilizing variant allele frequency, disease prevalence and penetrance estimates, and inheritance mode, an automated score was calculated to assess if this variant is too frequent to cause the disease. Based on the score and internal cut-off values, a variant classified as benign is not then subjected to further curation. The score for this variant resulted in a classification of benign for this disease.

Athena Diagnostics
Classification: Benign. Last evaluated: 2017-12-08. Review status: criteria provided, single submitter. Criteria: Athena Diagnostics Criteria. Collection method: clinical testing. Allele origin: germline.

Ambry Genetics
Classification: Benign for Inborn genetic diseases. Last evaluated: 2016-07-14. Review status: criteria provided, single submitter. Criteria: Ambry Variant Classification Scheme 2023. Collection method: clinical testing. Allele origin: germline.

Eurofins Ntd Llc (ga)
Classification: Benign. Last evaluated: 2015-07-30. Review status: criteria provided, single submitter. Criteria: EGL Classification Definitions 2015. Collection method: clinical testing. Allele origin: germline. Observed: 1 variant allele, 1 heterozygote.

Genetic Services Laboratory, University of Chicago
Classification: Likely benign. Last evaluated: 2015-04-06. Review status: criteria provided, single submitter. Criteria: ACMG Guidelines, 2015. Collection method: clinical testing. Allele origin: germline.

GeneDx
Classification: Benign. Last evaluated: 2013-01-31. Review status: criteria provided, single submitter. Criteria: GeneDx Variant Classification (06012015). Collection method: clinical testing. Allele origin: germline. Affected: yes.
Comment: This variant is considered likely benign or benign based on one or more of the following criteria: it is a conservative change, it occurs at a poorly conserved position in the protein, it is predicted to be benign by multiple in silico algorithms, and/or has population frequency not consistent with disease.

Breakthrough Genomics
Classification: Likely benign. Review status: criteria provided, single submitter. Criteria: ACMG Guidelines, 2015. Collection method: not provided. Allele origin: germline. Inheritance: Autosomal dominant inheritance. Affected: yes.

NM_001083962.2(TCF4):c.1905G>A (p.Ala635=)

Gene: TCF4 (transcription factor 4; minus strand). Cytogenetic location: 18q21.2.
Variant type: single nucleotide variant.
Coding change: c.1905G>A on transcript NM_001083962.2 (MANE Select); coding-DNA position 1905, G replaced by A.
Protein change: p.Ala635=; no amino-acid change (alanine 635 retained).
Molecular consequence: synonymous variant.
Genome position (GRCh38, 1-based): chr18:55,228,336, C>T on the plus strand (G>A on the coding strand, the complement: TCF4 is on the minus strand). VCF-style: chr18-55228336-C-T. GRCh37 (hg19) VCF-style: chr18-52895567-C-T.
Other names: p.A635A:GCG>GCA; c.2211G>A, p.Ala737= (NM_001243226.3); c.1833G>A, p.Ala611= (NM_001243227.2, NM_001348217.1, NM_001348218.2 and 1 more transcripts); c.1923G>A, p.Ala641= (NM_001243228.2); c.1884G>A, p.Ala628= (NM_001243230.2); c.1767G>A, p.Ala589= (NM_001243231.2); c.1692G>A, p.Ala564= (NM_001243232.1); c.1503G>A, p.Ala501= (NM_001243233.2, NM_001348212.2); and 15 more.
Identifiers: ClinVar variation 139411 (VCV000139411.46), dbSNP rs151150677, ClinGen allele CA293890.
Genomic context (GRCh38, chr18:55,228,336, plus strand): 5'-GGCCAAGGAGAGAGGGGGAGGCTCTGAGGACACCTTCTCTTCCTCCCTTCTTTTCAGACA[C>T]GCAGCTTTCGGATTCAGATTCCTTTCTGTGGAGGATTAAAGCACAGAACCTTTGTTTAAT-3'
Protein context (NP_001077431.1, residues 625-645): VRERNLNPKA[Ala635=]CLKRREEEKV